The following is an entry in ClinVar:

ClinVar aggregate classification (germline): Conflicting classifications of pathogenicity. Review status: criteria provided, conflicting classifications (1 of 4 stars). 3 submissions from 3 submitters: Uncertain significance (1); Likely benign (1). 1 of the submissions does not count toward it. Last evaluated 2025-12-15.

Conditions:
Hypertrophic cardiomyopathy. Also called: HYPERTROPHIC MYOCARDIOPATHY. Identifiers: Orphanet 217569, MedGen C0007194, MeSH D002312, MONDO:0005045, HP:0001639.
MYBPC3-related disorder. Also called: MYBPC3-related condition; MYBPC3-related disease; MYBPC3-related disorders.
Cardiomyopathy (CMYO). Also called: Cardiomyopathies. Identifiers: Orphanet 167848, MedGen C0878544, MONDO:0004994, HP:0001638. Inheritance: Various modes of inheritance.

Allele frequency attached by ClinVar (database versions not stated): ExAC 0.00001; gnomAD 0.00001; gnomAD exomes 0.00001; TOPMed 0.00001; ESP Exome Variant Server 0.00008.
gnomAD v4.1: 19 of 1,601,312 alleles (0.0012%); highest among the groups gnomAD compares: Non-Finnish European, 0.0016%; no homozygotes.

Submissions (3):

Labcorp Genetics (formerly Invitae), Labcorp
Classification: Likely benign for Hypertrophic cardiomyopathy. Last evaluated: 2025-12-15. Review status: criteria provided, single submitter. Criteria: Invitae Variant Classification Sherloc (09022015). Collection method: clinical testing. Allele origin: germline.

CHEO Genetics Diagnostic Laboratory, Children's Hospital of Eastern Ontario
Classification: Uncertain significance for Cardiomyopathy. Last evaluated: 2018-02-09. Review status: criteria provided, single submitter. Criteria: ACMG Guidelines, 2015. Collection method: clinical testing. Allele origin: germline.

PreventionGenetics, part of Exact Sciences
Classification: Likely benign for MYBPC3-related condition. Last evaluated: 2019-09-12. Review status: no assertion criteria provided. Collection method: clinical testing. Allele origin: germline. Not counted in ClinVar's aggregate classification.
Comment: This variant is classified as likely benign based on ACMG/AMP sequence variant interpretation guidelines (Richards et al. 2015 PMID: 25741868, with internal and published modifications).

NM_000256.3(MYBPC3):c.25+10G>A

Gene: MYBPC3 (myosin binding protein C3; minus strand). Cytogenetic location: 11p11.2.
Variant type: single nucleotide variant.
Coding change: c.25+10G>A on transcript NM_000256.3 (MANE Select); 10 bases into the intron after coding-DNA position 25, G replaced by A.
Molecular consequence: intron variant.
Genome position (GRCh38, 1-based): chr11:47,352,613, C>T on the plus strand (G>A on the coding strand, the complement: MYBPC3 is on the minus strand). VCF-style: chr11-47352613-C-T. GRCh37 (hg19) VCF-style: chr11-47374164-C-T.
Identifiers: ClinVar variation 758937 (VCV000758937.11), dbSNP rs368489793, ClinGen allele CA050272.